The following is an entry in ClinVar:

ClinVar aggregate classification (germline): Likely benign. Review status: criteria provided, single submitter (1 of 4 stars). 2 submissions from 2 submitters: Likely benign (1). 1 of the submissions does not count toward it. Last evaluated 2025-07-27.

Conditions:
TRRAP-related disorder. Also called: TRRAP-related condition.

Allele frequency attached by ClinVar (database versions not stated): gnomAD exomes 0.00002; gnomAD 0.00004; TOPMed 0.00005; ExAC 0.00007.
gnomAD v4.1: 29 of 1,613,870 alleles (0.0018%); highest among the groups gnomAD compares: East Asian, 0.016%; no homozygotes.

Submissions (2):

Labcorp Genetics (formerly Invitae), Labcorp
Classification: Likely benign. Last evaluated: 2025-07-27. Review status: criteria provided, single submitter. Criteria: Invitae Variant Classification Sherloc (09022015). Collection method: clinical testing. Allele origin: germline.

PreventionGenetics, part of Exact Sciences
Classification: Likely benign for TRRAP-related condition. Last evaluated: 2019-11-27. Review status: no assertion criteria provided. Collection method: clinical testing. Allele origin: germline. Not counted in ClinVar's aggregate classification.
Comment: This variant is classified as likely benign based on ACMG/AMP sequence variant interpretation guidelines (Richards et al. 2015 PMID: 25741868, with internal and published modifications).

NM_001375524.1(TRRAP):c.11526C>T (p.Phe3842=)

Gene: TRRAP (transformation/transcription domain associated protein; plus strand). Cytogenetic location: 7q22.1.
Variant type: single nucleotide variant.
Coding change: c.11526C>T on transcript NM_001375524.1 (MANE Select); coding-DNA position 11526, C replaced by T.
Protein change: p.Phe3842=; no amino-acid change (phenylalanine 3842 retained).
Molecular consequence: synonymous variant.
Genome position (GRCh38, 1-based): chr7:99,012,259, C>T. VCF-style: chr7-99012259-C-T. GRCh37 (hg19) VCF-style: chr7-98609882-C-T.
Other names: c.11484C>T, p.Phe3828= (NM_001244580.2); c.11397C>T, p.Phe3799= (NM_003496.4); c.11397C>T (NM_003496.3).
Identifiers: ClinVar variation 1922015 (VCV001922015.7), dbSNP rs200231900, ClinGen allele CA4362192.